The following is an entry in ClinVar:

NM_000165.5(GJA1):c.743A>G (p.His248Arg)

Gene: GJA1 (gap junction protein alpha 1; plus strand). Cytogenetic location: 6q22.31.
Variant type: single nucleotide variant.
Coding change: c.743A>G on transcript NM_000165.5 (MANE Select); coding-DNA position 743, A replaced by G.
Protein change: p.His248Arg; replaces histidine 248 with arginine.
Molecular consequence: missense variant.
Genome position (GRCh38, 1-based): chr6:121,447,590, A>G. VCF-style: chr6-121447590-A-G. GRCh37 (hg19) VCF-style: chr6-121768736-A-G.
Other names: c.743A>G (NM_000165.3); short protein forms H248R.
Identifiers: ClinVar variation 961692 (VCV000961692.11), dbSNP rs747365823, ClinGen allele CA3981739.

ClinVar aggregate classification (germline): Uncertain significance. Review status: criteria provided, multiple submitters, no conflicts (2 of 4 stars). 2 submissions from 2 submitters: Uncertain significance (2). Last evaluated 2025-05-30.

Conditions:
Oculodentodigital dysplasia, autosomal recessive. Also called: OCULODENTOOSSEOUS DYSPLASIA, AUTOSOMAL RECESSIVE; ODDD, AUTOSOMAL RECESSIVE; ODOD, AUTOSOMAL RECESSIVE. Identifiers: Orphanet 2710, MedGen C2749477, MONDO:0009768, OMIM 257850.

Allele frequency attached by ClinVar (database versions not stated): ExAC 0.00001; TOPMed 0.00002; gnomAD 0.00001; gnomAD exomes 0.00001.

Submissions (2):

GeneDx
Classification: Uncertain significance. Last evaluated: 2025-05-30. Review status: criteria provided, single submitter. Criteria: GeneDx Variant Classification Process June 2021. Collection method: clinical testing. Allele origin: germline.
Comment: In silico analysis suggests that this missense variant does not alter protein structure/function; Has not been previously published as pathogenic or benign in association with a GJA1-related disorder to our knowledge; This variant is associated with the following publications: (PMID: 35942675)

Labcorp Genetics (formerly Invitae), Labcorp
Classification: Uncertain significance for Oculodentodigital dysplasia, autosomal recessive. Last evaluated: 2022-10-10. Review status: criteria provided, single submitter. Criteria: Invitae Variant Classification Sherloc (09022015). Collection method: clinical testing. Allele origin: germline.
Comment: This sequence change replaces histidine, which is basic and polar, with arginine, which is basic and polar, at codon 248 of the GJA1 protein (p.His248Arg). This variant is present in population databases (rs747365823, gnomAD 0.003%). This variant has not been reported in the literature in individuals affected with GJA1-related conditions. ClinVar contains an entry for this variant (Variation ID: 961692). Advanced modeling of protein sequence and biophysical properties (such as structural, functional, and spatial information, amino acid conservation, physicochemical variation, residue mobility, and thermodynamic stability) performed at Invitae indicates that this missense variant is not expected to disrupt GJA1 protein function. In summary, the available evidence is currently insufficient to determine the role of this variant in disease. Therefore, it has been classified as a Variant of Uncertain Significance.